The following is an entry in ClinVar:

NM_020366.4(RPGRIP1):c.2441G>T (p.Arg814Leu)

Gene: RPGRIP1 (RPGR interacting protein 1; plus strand). Cytogenetic location: 14q11.2.
Variant type: single nucleotide variant.
Coding change: c.2441G>T on transcript NM_020366.4 (MANE Select); coding-DNA position 2441, G replaced by T.
Protein change: p.Arg814Leu; replaces arginine 814 with leucine.
Molecular consequence: missense variant. On other transcripts: intron variant (4).
Genome position (GRCh38, 1-based): chr14:21,325,904, G>T. VCF-style: chr14-21325904-G-T. GRCh37 (hg19) VCF-style: chr14-21794063-G-T.
Other names: c.1367G>T, p.Arg456Leu (NM_001377948.1); c.796+1179G>T (NM_001377949.1); c.689-1719G>T (NM_001377523.1, NM_001377950.1); c.191-1719G>T (NM_001377951.1); short protein forms R456L, R814L.
Identifiers: ClinVar variation 881492 (VCV000881492.15), dbSNP rs372647080, ClinGen allele CA257536131.
Genomic context (GRCh38, chr14:21,325,904, plus strand): 5'-CTTGGGAACCTCAGAACGAGCTGTGGATTGAAATCACCAAGTGCTGTGGCCTCCGGAGTC[G>T]ATGGCTGGGAACTCAACCCAGTCCATATGCTGTGTACCGCTTCTTCACCTTTTCTGACCA-3'
Protein context (NP_065099.3, residues 804-824): EITKCCGLRS[Arg814Leu]WLGTQPSPYA

ClinVar aggregate classification (germline): Uncertain significance. Review status: criteria provided, multiple submitters, no conflicts (2 of 4 stars). 6 submissions from 4 submitters: Uncertain significance (6). Last evaluated 2022-10-27.

Conditions:
Cone-rod dystrophy 13 (CORD13). Identifiers: Orphanet 1872, MedGen C2750720, MONDO:0011987, OMIM 608194.
Leber congenital amaurosis 6 (LCA6). Identifiers: Orphanet 65, MedGen C1854260, MONDO:0013446, OMIM 613826.

Allele frequency attached by ClinVar (database versions not stated): gnomAD 0.00001; gnomAD exomes 0.00001; TOPMed 0.00002; ESP Exome Variant Server 0.00008.
gnomAD v4.1: 48 of 1,613,776 alleles (0.003%); highest among the groups gnomAD compares: Non-Finnish European, 0.004%; no homozygotes.

Submissions (6):

Blueprint Genetics
Classification: Uncertain significance. Last evaluated: 2022-10-27. Review status: criteria provided, single submitter. Criteria: ACMG Guidelines, 2015. Collection method: clinical testing. Allele origin: germline.

Genome-Nilou Lab
Classification: Uncertain significance for Leber congenital amaurosis 6. Last evaluated: 2021-11-07. Review status: criteria provided, single submitter. Criteria: ACMG Guidelines, 2015. Collection method: clinical testing. Allele origin: germline. Affected: no.

Genome-Nilou Lab
Classification: Uncertain significance for Cone-rod dystrophy 13. Last evaluated: 2021-11-07. Review status: criteria provided, single submitter. Criteria: ACMG Guidelines, 2015. Collection method: clinical testing. Allele origin: germline. Affected: no.

Labcorp Genetics (formerly Invitae), Labcorp
Classification: Uncertain significance for Leber congenital amaurosis 6; Cone-rod dystrophy 13. Last evaluated: 2021-05-04. Review status: criteria provided, single submitter. Criteria: Invitae Variant Classification Sherloc (09022015). Collection method: clinical testing. Allele origin: germline.
Comment: In summary, the available evidence is currently insufficient to determine the role of this variant in disease. Therefore, it has been classified as a Variant of Uncertain Significance. Algorithms developed to predict the effect of missense changes on protein structure and function are either unavailable or do not agree on the potential impact of this missense change (SIFT: "Tolerated"; PolyPhen-2: "Possibly Damaging"; Align-GVGD: "Class C0"). This variant has been observed in individual(s) with primary open-angle glaucoma (PMID: 21224891). This variant is not present in population databases (ExAC no frequency). This sequence change replaces arginine with leucine at codon 814 of the RPGRIP1 protein (p.Arg814Leu). The arginine residue is moderately conserved and there is a moderate physicochemical difference between arginine and leucine.

Illumina Laboratory Services, Illumina
Classification: Uncertain significance for Leber congenital amaurosis 6. Last evaluated: 2017-04-27. Review status: criteria provided, single submitter. Criteria: ICSL Variant Classification Criteria 13 December 2019. Collection method: clinical testing. Allele origin: germline.

Illumina Laboratory Services, Illumina
Classification: Uncertain significance for Cone-rod dystrophy 13. Last evaluated: 2017-04-27. Review status: criteria provided, single submitter. Criteria: ICSL Variant Classification Criteria 13 December 2019. Collection method: clinical testing. Allele origin: germline.

Literature cited by the submitters: PubMed 21224891 (cited by Labcorp Genetics (formerly Invitae), Labcorp).